The following is an entry in ClinVar:

NM_021625.5(TRPV4):c.2439C>T (p.Thr813=)

Gene: TRPV4 (transient receptor potential cation channel subfamily V member 4; minus strand). Cytogenetic location: 12q24.11.
Variant type: single nucleotide variant.
Coding change: c.2439C>T on transcript NM_021625.5 (MANE Select); coding-DNA position 2439, C replaced by T.
Protein change: p.Thr813=; no amino-acid change (threonine 813 retained).
Molecular consequence: synonymous variant.
Genome position (GRCh38, 1-based): chr12:109,784,335, G>A on the plus strand (C>T on the coding strand, the complement: TRPV4 is on the minus strand). VCF-style: chr12-109784335-G-A. GRCh37 (hg19) VCF-style: chr12-110222140-G-A.
Other names: c.2298C>T, p.Thr766= (NM_001177428.2); c.2337C>T, p.Thr779= (NM_001177431.2); c.2118C>T, p.Thr706= (NM_001177433.2); c.2259C>T, p.Thr753= (NM_147204.3).
Identifiers: ClinVar variation 682229 (VCV000682229.15), dbSNP rs545589086, ClinGen allele CA6779924.

ClinVar aggregate classification (germline): Conflicting classifications of pathogenicity. Review status: criteria provided, conflicting classifications (1 of 4 stars). 9 submissions from 4 submitters: Uncertain significance (1); Likely benign (8). Last evaluated 2025-10-19.

Conditions:
Brachyrachia (short spine dysplasia) (BCYM3). Also called: BRACHYRACHIA; Brachyolmia Type 3; Autosomal dominant brachyolmia; Brachyolmia, TRPV4-Related. Identifiers: Orphanet 93304, MedGen C0432227, MONDO:0007232, OMIM 113500.
Spondylometaphyseal dysplasia, Kozlowski type (SMDK). Also called: Spondylometaphyseal Dysplasia, TRPV4-Related (Kozlowski Type); Dysmorphism arthrogryposis skeletal maturation advanced; Jequier-Kozlowski syndrome; Skeletal dysplasia Jequier-Kozlowski type; SMD Kozlowski type. Identifiers: Orphanet 93314, MedGen C0265280, MONDO:0008477, OMIM 184252.
Metatropic dysplasia (MTD). Also called: Metatropic dysplasia, nonlethal dominant; METATROPIC DWARFISM; Metatropic Dysplasia, TRPV4-Related. Identifiers: Orphanet 2635, MedGen C0265281, MONDO:0007986, OMIM 156530.
Neuronopathy, distal hereditary motor, autosomal dominant 8. Also called: Autosomal dominant congenital benign spinal muscular atrophy; SPINAL MUSCULAR ATROPHY, CONGENITAL BENIGN, WITH CONTRACTURES; NEURONOPATHY, DISTAL HEREDITARY MOTOR, TYPE VIII; NEUROPATHY, DISTAL HEREDITARY MOTOR, TYPE VIII. Identifiers: Orphanet 1216, MedGen C1838492, MONDO:0010839, OMIM 600175.
Scapuloperoneal spinal muscular atrophy (SPSMA). Also called: Scapuloperoneal Form of Spinal Muscular Atrophy; Scapuloperoneal spinal muscular atrophy, autosomal dominant; AMYOTROPHY, NEUROGENIC SCAPULOPERONEAL, NEW ENGLAND TYPE; Scapuloperoneal Spinal Muscular Atrophy, TRPV4-Related. Identifiers: Orphanet 431255, MedGen C0751335, MONDO:0008408, OMIM 181405.
Charcot-Marie-Tooth disease axonal type 2C (HMSN2C). Also called: CHARCOT-MARIE-TOOTH DISEASE, AXONAL, AUTOSOMAL DOMINANT, TYPE 2C; Charcot-Marie-Tooth Neuropathy Type 2C; Charcot-Marie-Tooth Disease Type 2, TRPV4-Related (CMT2C). Identifiers: Orphanet 99937, MedGen C1853710, MONDO:0011633, OMIM 606071.

Allele frequency attached by ClinVar (database versions not stated): gnomAD 0.00001; gnomAD exomes 0.00002; TOPMed 0.00002.
gnomAD v4.1: 33 of 1,614,160 alleles (0.002%); highest among the groups gnomAD compares: South Asian, 0.0055%; no homozygotes.

Submissions (9):

Labcorp Genetics (formerly Invitae), Labcorp
Classification: Likely benign for Charcot-Marie-Tooth disease axonal type 2C. Last evaluated: 2025-10-19. Review status: criteria provided, single submitter. Criteria: Invitae Variant Classification Sherloc (09022015). Collection method: clinical testing. Allele origin: germline.

Blueprint Genetics
Classification: Likely benign. Last evaluated: 2024-10-15. Review status: criteria provided, single submitter. Criteria: ACMG Guidelines, 2015. Collection method: clinical testing. Allele origin: germline.

GeneDx
Classification: Likely benign. Last evaluated: 2018-04-23. Review status: criteria provided, single submitter. Criteria: GeneDx Variant Classification (06012015). Collection method: clinical testing. Allele origin: germline. Affected: yes.
Comment: This variant is considered likely benign or benign based on one or more of the following criteria: it is a conservative change, it occurs at a poorly conserved position in the protein, it is predicted to be benign by multiple in silico algorithms, and/or has population frequency not consistent with disease.

Illumina Laboratory Services, Illumina
Classification: Likely benign for Scapuloperoneal spinal muscular atrophy. Last evaluated: 2018-01-13. Review status: criteria provided, single submitter. Criteria: ICSL Variant Classification Criteria 13 December 2019. Collection method: clinical testing. Allele origin: germline.
Comment: This variant was observed in the ICSL laboratory as part of a predisposition screen in an ostensibly healthy population. It had not been previously curated by ICSL or reported in the Human Gene Mutation Database (HGMD: prior to June 1st, 2018), and was therefore a candidate for classification through an automated scoring system. Utilizing variant allele frequency, disease prevalence and penetrance estimates, and inheritance mode, an automated score was calculated to assess if this variant is too frequent to cause the disease. Based on the score and internal cut-off values, a variant classified as likely benign is not then subjected to further curation. The score for this variant resulted in a classification of likely benign for this disease.

Illumina Laboratory Services, Illumina
Classification: Uncertain significance for Charcot-Marie-Tooth disease axonal type 2C. Last evaluated: 2018-01-13. Review status: criteria provided, single submitter. Criteria: ICSL Variant Classification Criteria 13 December 2019. Collection method: clinical testing. Allele origin: germline.

Illumina Laboratory Services, Illumina
Classification: Likely benign for Neuronopathy, distal hereditary motor, autosomal dominant 8. Last evaluated: 2018-01-13. Review status: criteria provided, single submitter. Criteria: ICSL Variant Classification Criteria 13 December 2019. Collection method: clinical testing. Allele origin: germline.
Comment: the same text as in the submission from Illumina Laboratory Services, Illumina above.

Illumina Laboratory Services, Illumina
Classification: Likely benign for Metatropic dysplasia. Last evaluated: 2018-01-13. Review status: criteria provided, single submitter. Criteria: ICSL Variant Classification Criteria 13 December 2019. Collection method: clinical testing. Allele origin: germline.
Comment: the same text as in the submission from Illumina Laboratory Services, Illumina above.

Illumina Laboratory Services, Illumina
Classification: Likely benign for Brachyrachia (short spine dysplasia). Last evaluated: 2018-01-13. Review status: criteria provided, single submitter. Criteria: ICSL Variant Classification Criteria 13 December 2019. Collection method: clinical testing. Allele origin: germline.
Comment: the same text as in the submission from Illumina Laboratory Services, Illumina above.

Illumina Laboratory Services, Illumina
Classification: Likely benign for Spondylometaphyseal dysplasia, Kozlowski type. Last evaluated: 2018-01-13. Review status: criteria provided, single submitter. Criteria: ICSL Variant Classification Criteria 13 December 2019. Collection method: clinical testing. Allele origin: germline.
Comment: the same text as in the submission from Illumina Laboratory Services, Illumina above.